The following is an entry in ClinVar:

ClinVar aggregate classification (germline): Uncertain significance (1 of 4 stars; one submission).

Conditions:
Hereditary cancer-predisposing syndrome. Also called: Neoplastic Syndromes, Hereditary; Tumor predisposition; Hereditary neoplastic syndrome; Hereditary Cancer Syndrome. Identifiers: Orphanet 140162, MedGen C0027672, MeSH D009386, MONDO:0015356.

gnomAD v4.1: 1 of 1,613,922 alleles (0.000062%); highest among the groups gnomAD compares: Non-Finnish European, 0.000085%; no homozygotes.

Submission:

Ambry Genetics
Classification: Uncertain significance for Hereditary cancer-predisposing syndrome. Last evaluated: 2026-07-07. Review status: criteria provided, single submitter. Criteria: Ambry Variant Classification Scheme 2023. Collection method: clinical testing. Allele origin: germline.
Comment: The p.A468S variant (also known as c.1402G>T), located in coding exon 10 of the FH gene, results from a G to T substitution at nucleotide position 1402. The alanine at codon 468 is replaced by serine, an amino acid with similar properties. This amino acid position is conserved. In addition, the in silico prediction for this alteration is inconclusive. Based on the available evidence, the clinical significance of this variant remains unclear.

NM_000143.4(FH):c.1402G>T (p.Ala468Ser)

Gene: FH (fumarate hydratase; minus strand). Cytogenetic location: 1q43.
Variant type: single nucleotide variant.
Coding change: c.1402G>T on transcript NM_000143.4 (MANE Select); coding-DNA position 1402, G replaced by T.
Protein change: p.Ala468Ser; replaces alanine 468 with serine.
Molecular consequence: missense variant.
Genome position (GRCh38, 1-based): chr1:241,497,959, C>A on the plus strand (G>T on the coding strand, the complement: FH is on the minus strand). VCF-style: chr1-241497959-C-A. GRCh37 (hg19) VCF-style: chr1-241661259-C-A.
Other names: short protein forms A468S.
Identifiers: ClinVar variation 5021762 (VCV005021762.1).